The following is an entry in ClinVar:

ClinVar aggregate classification (germline): Pathogenic (1 of 4 stars; one submission).

Conditions:
Inborn genetic diseases. Identifiers: MedGen C0950123, MeSH D030342.

Submission:

Ambry Genetics
Classification: Pathogenic for Inborn genetic diseases. Last evaluated: 2020-09-17. Review status: criteria provided, single submitter. Criteria: Ambry Variant Classification Scheme 2023. Collection method: clinical testing. Allele origin: germline.
Comment: The c.717_730delinsG (p.A240Pfs*22) alteration, located in coding exon 1 of the ARID1B gene, consists of a deletion of 14 and insertion of 1 nucleotides causing a translational frameshift at position 240 with a predicted alternate stop codon after 22 amino acids. This alteration is expected to result in loss of function by premature protein truncation or nonsense-mediated mRNA decay. Based on the available evidence, this alteration is classified as pathogenic.

NM_001374828.1(ARID1B):c.966_979delinsG (p.Ala323fs)

Gene: ARID1B (AT-rich interaction domain 1B; plus strand). Cytogenetic location: 6q25.3.
Variant type: Indel.
Coding change: c.966_979delinsG on transcript NM_001374828.1 (MANE Select); coding-DNA positions 966 to 979, TGCGAGCGGCGGCC replaced by G.
Protein change: p.Ala323fs; shifts the reading frame from alanine 323.
Molecular consequence: frameshift variant.
Genome position (GRCh38, 1-based): chr6:156,778,646-156,778,659, TGCGAGCGGCGGCC replaced by G. VCF-style: chr6-156778646-TGCGAGCGGCGGCC-G. GRCh37 (hg19) VCF-style: chr6-157099780-TGCGAGCGGCGGCC-G.
Other names: c.966_979delinsG, p.Ala323fs (NM_001371656.1, NM_001374820.1, NM_017519.3); short protein forms A323fs.
Identifiers: ClinVar variation 521684 (VCV000521684.4), dbSNP rs1554247637, ClinGen allele CA658796867.